The following is an entry in ClinVar:

NM_001710.6(CFB):c.2090-13C>G

Gene: CFB (complement factor B; plus strand). Cytogenetic location: 6p21.33.
Variant type: single nucleotide variant.
Coding change: c.2090-13C>G on transcript NM_001710.6 (MANE Select); 13 bases into the intron before coding-DNA position 2090, C replaced by G.
Molecular consequence: intron variant.
Genome position (GRCh38, 1-based): chr6:31,951,542, C>G. VCF-style: chr6-31951542-C-G. GRCh37 (hg19) VCF-style: chr6-31919319-C-G.
Identifiers: ClinVar variation 1608815 (VCV001608815.10), dbSNP rs4151662, ClinGen allele CA3728544.

ClinVar aggregate classification (germline): Benign/Likely benign. Review status: criteria provided, multiple submitters, no conflicts (2 of 4 stars). 2 submissions from 2 submitters: Benign (1); Likely benign (1). Last evaluated 2025-11-27.

Allele frequency attached by ClinVar (database versions not stated): gnomAD exomes 0.00004 and 0.00007; ExAC 0.00010; 1000 Genomes Project 30x 0.00016; 1000 Genomes Project 0.00020; gnomAD 0.00030 and 0.00033; TOPMed 0.00040; ESP Exome Variant Server 0.00077.
gnomAD v4.1: 105 of 1,614,168 alleles (0.0065%); highest among the groups gnomAD compares: African/African-American, 0.13%; no homozygotes.

Submissions (2):

Labcorp Genetics (formerly Invitae), Labcorp
Classification: Benign. Last evaluated: 2025-11-27. Review status: criteria provided, single submitter. Criteria: Invitae Variant Classification Sherloc (09022015). Collection method: clinical testing. Allele origin: germline.

Women's Health and Genetics/Laboratory Corporation of America, LabCorp
Classification: Likely benign. Last evaluated: 2025-01-15. Review status: criteria provided, single submitter. Criteria: LabCorp Variant Classification Summary - May 2015. Collection method: clinical testing. Allele origin: germline.
Comment: Variant summary: CFB c.2090-13C>G alters a non-conserved nucleotide located at a position not widely known to affect splicing. Consensus agreement among computation tools predict no significant impact on normal splicing. However, these predictions have yet to be confirmed by functional studies. The variant allele was found at a frequency of 7.2e-05 in 251494 control chromosomes, predominantly at a frequency of 0.0011 within the African or African-American subpopulation in the gnomAD database. This frequency is not significantly higher than estimated for a pathogenic variant in CFB causing &phenotype&, allowing no conclusion about variant significance. To our knowledge, no occurrence of c.2090-13C>G in individuals affected with &phenotype& and no experimental evidence demonstrating its impact on protein function have been reported. ClinVar contains an entry for this variant (Variation ID: 1608815). Based on the evidence outlined above, the variant was classified as likely benign.